The following is an entry in ClinVar:

ClinVar aggregate classification (germline): Uncertain significance (1 of 4 stars; one submission).

Conditions:
Familial thoracic aortic aneurysm and aortic dissection (TAAD). Also called: Thoracic aortic aneurysms and dissections. Identifiers: Orphanet 91387, MedGen C4707243, MONDO:0019625.

Submission:

Labcorp Genetics (formerly Invitae), Labcorp
Classification: Uncertain significance for Thoracic aortic aneurysm and aortic dissection. Last evaluated: 2018-01-19. Review status: criteria provided, single submitter. Criteria: Invitae Variant Classification Sherloc (09022015). Collection method: clinical testing. Allele origin: germline.
Comment: This variant is a gross duplication of the genomic region encompassing exons 6-9 of the SMAD3 gene. The 5' boundary is likely confined to intron 5. The 3' end of this event is unknown as it extends beyond the assayed region for this gene and therefore may encompass additional genes. This variant has not been reported in the literature in individuals with SMAD3-related disease. In summary, the available evidence is currently insufficient to determine the role of this variant in disease. Therefore, it has been classified as a Variant of Uncertain Significance.

Single allele

Gene: SMAD3 (SMAD family member 3; plus strand). Cytogenetic location: 15q22.33.
Variant type: Duplication.
Identifiers: ClinVar variation 477530 (VCV000477530.1).